The following is an entry in ClinVar:

NM_015058.2(VWA8):c.5147G>A (p.Arg1716His)

Gene: VWA8 (von Willebrand factor A domain containing 8; minus strand). Cytogenetic location: 13q14.11.
Variant type: single nucleotide variant.
Coding change: c.5147G>A on transcript NM_015058.2 (MANE Select); coding-DNA position 5147, G replaced by A.
Protein change: p.Arg1716His; replaces arginine 1716 with histidine.
Molecular consequence: missense variant.
Genome position (GRCh38, 1-based): chr13:41,587,636, C>T on the plus strand (G>A on the coding strand, the complement: VWA8 is on the minus strand). VCF-style: chr13-41587636-C-T. GRCh37 (hg19) VCF-style: chr13-42161772-C-T.
Other names: short protein forms R1716H.
Identifiers: ClinVar variation 4085541 (VCV004085541.8).
Genomic context (GRCh38, chr13:41,587,636, plus strand): 5'-TCAAGCCGGCCATCCATCCTGTTGAAACGGTACATGCTACCAGACACATCTACCACCAGG[C>T]GCAGACGCTTGGGTTTCTGTTGTGGGCTGCCAAGCTGAGGGAAGGAATAACAGAAAAGCC-3'
Protein context (NP_055873.1, residues 1706-1726): GSPQQKPKRL[Arg1716His]LVVDVSGSMY

ClinVar aggregate classification (germline): Uncertain significance (1 of 4 stars; one submission).

gnomAD v4.1: 23 of 1,614,040 alleles (0.0014%); highest among the groups gnomAD compares: African/African-American, 0.0027%; no homozygotes.

Submission:

CeGaT Center for Human Genetics Tuebingen
Classification: Uncertain significance. Last evaluated: 2025-07-01. Review status: criteria provided, single submitter. Criteria: CeGaT Center For Human Genetics Tuebingen Variant Classification Criteria Version 2. Collection method: clinical testing. Allele origin: germline. Affected: yes. Observed: 1 variant allele.
Comment: VWA8: PM2, BP4